The following is an entry in ClinVar:

NM_018263.6(ASXL2):c.2539G>A (p.Val847Ile)

Gene: ASXL2 (ASXL transcriptional regulator 2; minus strand). Cytogenetic location: 2p23.3.
Variant type: single nucleotide variant.
Coding change: c.2539G>A on transcript NM_018263.6 (MANE Select); coding-DNA position 2539, G replaced by A.
Protein change: p.Val847Ile; replaces valine 847 with isoleucine.
Molecular consequence: missense variant.
Genome position (GRCh38, 1-based): chr2:25,743,798, C>T on the plus strand (G>A on the coding strand, the complement: ASXL2 is on the minus strand). VCF-style: chr2-25743798-C-T. GRCh37 (hg19) VCF-style: chr2-25966667-C-T.
Other names: c.2365G>A, p.Val789Ile (NM_001369346.1); c.1759G>A, p.Val587Ile (NM_001369347.1); c.2539G>A (NM_018263.4); short protein forms V587I, V847I, V789I.
Identifiers: ClinVar variation 1409671 (VCV001409671.6), dbSNP rs752798191, ClinGen allele CA1557615.
Genomic context (GRCh38, chr2:25,743,798, plus strand): 5'-TAGGTATATTCTTACTAGGACCTGCTTTGAGCTCAACTGTGCCATCAGCTGCACAATGAA[C>T]AGGTGAGGCACCTGAGATTAGAGCAGGACCTGTTGGAGAAGGTGCTTTCTCCTGTCTGCA-3'
Protein context (NP_060733.4, residues 837-857): GPALISGASP[Val847Ile]HCAADGTVEL

ClinVar aggregate classification (germline): Conflicting classifications of pathogenicity. Review status: criteria provided, conflicting classifications (1 of 4 stars). 2 submissions from 2 submitters: Uncertain significance (1); Likely benign (1). Last evaluated 2025-08-24.

Conditions:
Inborn genetic diseases. Identifiers: MedGen C0950123, MeSH D030342.

Allele frequency attached by ClinVar (database versions not stated): gnomAD 0.00001; TOPMed 0.00001; ExAC 0.00002; gnomAD exomes 0.00002 and 0.00004.
gnomAD v4.1: 13 of 1,613,894 alleles (0.00081%); highest among the groups gnomAD compares: Admixed American, 0.022%; no homozygotes.

Submissions (2):

Ambry Genetics
Classification: Likely benign for Inborn genetic diseases. Last evaluated: 2025-08-24. Review status: criteria provided, single submitter. Criteria: Ambry Variant Classification Scheme 2023. Collection method: clinical testing. Allele origin: germline.

Labcorp Genetics (formerly Invitae), Labcorp
Classification: Uncertain significance. Last evaluated: 2024-02-17. Review status: criteria provided, single submitter. Criteria: Invitae Variant Classification Sherloc (09022015). Collection method: clinical testing. Allele origin: germline.
Comment: This sequence change replaces valine, which is neutral and non-polar, with isoleucine, which is neutral and non-polar, at codon 847 of the ASXL2 protein (p.Val847Ile). This variant is present in population databases (rs752798191, gnomAD 0.01%). This variant has not been reported in the literature in individuals affected with ASXL2-related conditions. ClinVar contains an entry for this variant (Variation ID: 1409671). Advanced modeling of protein sequence and biophysical properties (such as structural, functional, and spatial information, amino acid conservation, physicochemical variation, residue mobility, and thermodynamic stability) performed at Invitae indicates that this missense variant is not expected to disrupt ASXL2 protein function with a negative predictive value of 80%. In summary, the available evidence is currently insufficient to determine the role of this variant in disease. Therefore, it has been classified as a Variant of Uncertain Significance.